The following is an entry in ClinVar:

ClinVar aggregate classification (germline): Uncertain significance. Review status: criteria provided, multiple submitters, no conflicts (2 of 4 stars). 2 submissions from 2 submitters: Uncertain significance (2). Last evaluated 2025-12-08.

Conditions:
2-aminoadipic 2-oxoadipic aciduria (AAKAD). Also called: Aminoadipic aciduria; ALPHA-AMINOADIPIC AND ALPHA-KETOADIPIC ACIDURIA. Identifiers: Orphanet 79154, MedGen C1859817, MONDO:0008774, OMIM 204750.

Allele frequency attached by ClinVar (database versions not stated): gnomAD exomes 0.00006 and 0.00014; gnomAD 0.00010 and 0.00011; TOPMed 0.00015; ExAC 0.00016.
gnomAD v4.1: 120 of 1,613,596 alleles (0.0074%); highest among the groups gnomAD compares: Admixed American, 0.025%; no homozygotes.

Submissions (3):

Labcorp Genetics (formerly Invitae), Labcorp
Classification: Uncertain significance for 2-aminoadipic 2-oxoadipic aciduria. Last evaluated: 2025-12-08. Review status: criteria provided, single submitter. Criteria: Invitae Variant Classification Sherloc (09022015). Collection method: clinical testing. Allele origin: germline.
Comment: This sequence change replaces asparagine, which is neutral and polar, with tyrosine, which is neutral and polar, at codon 756 of the DHTKD1 protein (p.Asn756Tyr). This variant is present in population databases (rs199643928, gnomAD 0.2%). This variant has not been reported in the literature in individuals affected with DHTKD1-related conditions. ClinVar contains an entry for this variant (Variation ID: 1033497). Invitae Evidence Modeling of protein sequence and biophysical properties (such as structural, functional, and spatial information, amino acid conservation, physicochemical variation, residue mobility, and thermodynamic stability) has been performed for this missense variant. However, the output from this modeling did not meet the statistical confidence thresholds required to predict the impact of this variant on DHTKD1 protein function. In summary, the available evidence is currently insufficient to determine the role of this variant in disease. Therefore, it has been classified as a Variant of Uncertain Significance.

Baylor Genetics
Classification: Uncertain significance for 2-aminoadipic 2-oxoadipic aciduria. Last evaluated: 2018-05-04. Review status: criteria provided, single submitter. Criteria: ACMG Guidelines, 2015. Collection method: clinical testing. Allele origin: maternal. Affected: yes.
Comment: This variant was determined to be of uncertain significance according to ACMG Guidelines, 2015 [PMID:25741868].

Dr. Peter K. Rogan Lab, Western University
No classification provided (evidence only). Condition: Ovarian serous cystadenocarcinoma. Review status: no classification provided. Collection method: in vitro. Allele origin: not applicable. Functional consequence: retained intron. Not counted in ClinVar's aggregate classification.

NM_018706.7(DHTKD1):c.2266A>T (p.Asn756Tyr)

Gene: DHTKD1 (dehydrogenase E1 and transketolase domain containing 1; plus strand). Cytogenetic location: 10p14.
Variant type: single nucleotide variant.
Coding change: c.2266A>T on transcript NM_018706.7 (MANE Select); coding-DNA position 2266, A replaced by T.
Protein change: p.Asn756Tyr; replaces asparagine 756 with tyrosine.
Molecular consequence: missense variant.
Genome position (GRCh38, 1-based): chr10:12,113,011, A>T. VCF-style: chr10-12113011-A-T. GRCh37 (hg19) VCF-style: chr10-12155010-A-T.
Other names: short protein forms N756Y.
Identifiers: ClinVar variation 1033497 (VCV001033497.7), dbSNP rs199643928, ClinGen allele CA5408187.